The following is an entry in ClinVar:

ClinVar aggregate classification (germline): Uncertain significance (1 of 4 stars; one submission).

Conditions:
Hereditary sensory neuropathy-deafness-dementia syndrome. Also called: Hereditary sensory neuropathy type IE; NEUROPATHY, HEREDITARY SENSORY, WITH HEARING LOSS AND DEMENTIA; HSN IE; Hereditary Sensory and Autonomic Neuropathy Type 1E (HSAN1E). Identifiers: Orphanet 456318, MedGen C3279885, MONDO:0013584, OMIM 614116.

Submission:

Labcorp Genetics (formerly Invitae), Labcorp
Classification: Uncertain significance for Hereditary sensory neuropathy-deafness-dementia syndrome. Last evaluated: 2022-07-05. Review status: criteria provided, single submitter. Criteria: Invitae Variant Classification Sherloc (09022015). Collection method: clinical testing. Allele origin: germline.
Comment: In summary, the available evidence is currently insufficient to determine the role of this variant in disease. Therefore, it has been classified as a Variant of Uncertain Significance. Algorithms developed to predict the effect of missense changes on protein structure and function are either unavailable or do not agree on the potential impact of this missense change (SIFT: "Deleterious"; PolyPhen-2: "Probably Damaging"; Align-GVGD: "Class C0"). ClinVar contains an entry for this variant (Variation ID: 578040). This variant has not been reported in the literature in individuals affected with DNMT1-related conditions. This variant is not present in population databases (gnomAD no frequency). This sequence change replaces glutamic acid, which is acidic and polar, with lysine, which is basic and polar, at codon 1607 of the DNMT1 protein (p.Glu1607Lys).

NM_001130823.3(DNMT1):c.4819G>A (p.Glu1607Lys)

Gene: DNMT1 (DNA methyltransferase 1; minus strand). Cytogenetic location: 19p13.2.
Variant type: single nucleotide variant.
Coding change: c.4819G>A on transcript NM_001130823.3 (MANE Select); coding-DNA position 4819, G replaced by A.
Protein change: p.Glu1607Lys; replaces glutamic acid 1607 with lysine.
Molecular consequence: missense variant.
Genome position (GRCh38, 1-based): chr19:10,134,262, C>T on the plus strand (G>A on the coding strand, the complement: DNMT1 is on the minus strand). VCF-style: chr19-10134262-C-T. GRCh37 (hg19) VCF-style: chr19-10244938-C-T.
Other names: c.4819G>A (LRG_362t1); c.4780G>A, p.Glu1594Lys (NM_001318730.2); c.4456G>A, p.Glu1486Lys (NM_001318731.2); c.4771G>A, p.Glu1591Lys (NM_001379.4); short protein forms E1607K, E1591K, E1594K, E1486K.
Identifiers: ClinVar variation 578040 (VCV000578040.10), dbSNP rs1568217087, ClinGen allele CA403967343.
Genomic context (GRCh38, chr19:10,134,262, plus strand): 5'-CCCACCCCACCATACCTGAGGCACTCTCTCGGGCTTTGGCCAACATACAAAGCTTGATCT[C>T]CAAGCCAATGGCTTTGGCCAGGGGCGGTGGCACGGCATTGCCCACCTGCAGGAGGGGAGA-3'
Protein context (NP_001124295.1, residues 1597-1617): PPPLAKAIGL[Glu1607Lys]IKLCMLAKAR